The following is an entry in ClinVar:

NM_000075.4(CDK4):c.774G>T (p.Gln258His)

Genes: TSPAN31 (tetraspanin 31; plus strand), CDK4 (cyclin dependent kinase 4; minus strand). Cytogenetic location: 12q14.1.
Variant type: single nucleotide variant.
Coding change: c.774G>T on transcript NM_000075.4 (MANE Select); coding-DNA position 774, G replaced by T.
Protein change: p.Gln258His; replaces glutamine 258 with histidine.
Molecular consequence: missense variant. On other transcripts: 3 prime UTR variant (3).
Genome position (GRCh38, 1-based): chr12:57,749,227, C>A on the plus strand (G>T on the coding strand, the complement: CDK4 is on the minus strand). VCF-style: chr12-57749227-C-A. GRCh37 (hg19) VCF-style: chr12-58143010-C-A.
Other names: c.*1937C>A (NM_001330168.2, NM_001330169.2, NM_005981.5); short protein forms Q258H.
Identifiers: ClinVar variation 2566778 (VCV002566778.2), dbSNP rs2540895914, ClinGen allele CA385543214.

ClinVar aggregate classification (germline): Uncertain significance (1 of 4 stars; one submission).

Conditions:
Hereditary cancer-predisposing syndrome. Also called: Hereditary neoplastic syndrome; Hereditary Cancer Syndrome; Neoplastic Syndromes, Hereditary; Tumor predisposition. Identifiers: Orphanet 140162, MedGen C0027672, MeSH D009386, MONDO:0015356.

Allele frequency attached by ClinVar (database versions not stated): gnomAD exomes below 0.00001.
gnomAD v4.1: 2 of 1,614,092 alleles (0.00012%); highest among the groups gnomAD compares: Non-Finnish European, 0.00017%; no homozygotes.

Submission:

Ambry Genetics
Classification: Uncertain significance for Hereditary cancer-predisposing syndrome. Last evaluated: 2023-06-04. Review status: criteria provided, single submitter. Criteria: Ambry Variant Classification Scheme 2023. Collection method: clinical testing. Allele origin: germline.
Comment: The p.Q258H variant (also known as c.774G>T), located in coding exon 6 of the CDK4 gene, results from a G to T substitution at nucleotide position 774. The glutamine at codon 258 is replaced by histidine, an amino acid with highly similar properties. This amino acid position is conserved. In addition, this alteration is predicted to be tolerated by in silico analysis. Since supporting evidence is limited at this time, the clinical significance of this alteration remains unclear.